The following is an entry in ClinVar:

NM_000393.5(COL5A2):c.2903A>G (p.Lys968Arg)

Gene: COL5A2 (collagen type V alpha 2 chain; minus strand). Cytogenetic location: 2q32.2.
Variant type: single nucleotide variant.
Coding change: c.2903A>G on transcript NM_000393.5 (MANE Select); coding-DNA position 2903, A replaced by G.
Protein change: p.Lys968Arg; replaces lysine 968 with arginine.
Molecular consequence: missense variant.
Genome position (GRCh38, 1-based): chr2:189,051,348, T>C on the plus strand (A>G on the coding strand, the complement: COL5A2 is on the minus strand). VCF-style: chr2-189051348-T-C. GRCh37 (hg19) VCF-style: chr2-189916074-T-C.
Other names: short protein forms K968R.
Identifiers: ClinVar variation 1969672 (VCV001969672.5), dbSNP rs2469255981, ClinGen allele CA349867516.

ClinVar aggregate classification (germline): Uncertain significance (1 of 4 stars; one submission).

Conditions:
Ehlers-Danlos syndrome, classic type, 1 (EDSCL1). Also called: EHLERS-DANLOS SYNDROME, GRAVIS TYPE; EHLERS-DANLOS SYNDROME, SEVERE CLASSIC TYPE; Ehlers-Danlos syndrome, type 1; EDS I; Ehlers-Danlos Syndrome, Classic Type, COL5A1-Related. Identifiers: MedGen C0268335, MONDO:0019567, OMIM 130000.

Submission:

Labcorp Genetics (formerly Invitae), Labcorp
Classification: Uncertain significance for Ehlers-Danlos syndrome, classic type, 1. Last evaluated: 2022-04-07. Review status: criteria provided, single submitter. Criteria: Invitae Variant Classification Sherloc (09022015). Collection method: clinical testing. Allele origin: germline.
Comment: This variant has not been reported in the literature in individuals affected with COL5A2-related conditions. In summary, the available evidence is currently insufficient to determine the role of this variant in disease. Therefore, it has been classified as a Variant of Uncertain Significance. Advanced modeling of protein sequence and biophysical properties (such as structural, functional, and spatial information, amino acid conservation, physicochemical variation, residue mobility, and thermodynamic stability) performed at Invitae indicates that this missense variant is not expected to disrupt COL5A2 protein function. This variant is not present in population databases (gnomAD no frequency). This sequence change replaces lysine, which is basic and polar, with arginine, which is basic and polar, at codon 968 of the COL5A2 protein (p.Lys968Arg).